The following is an entry in ClinVar:

ClinVar aggregate classification (germline): Uncertain significance. Review status: criteria provided, multiple submitters, no conflicts (2 of 4 stars). 4 submissions from 4 submitters: Uncertain significance (4). Last evaluated 2024-03-06.

Conditions:
Cardiovascular phenotype. Identifiers: MedGen CN230736.
Cardiomyopathy (CMYO). Also called: Cardiomyopathies. Identifiers: Orphanet 167848, MedGen C0878544, MONDO:0004994, HP:0001638. Inheritance: Various modes of inheritance.
Hypertrophic cardiomyopathy 2. Also called: TNNT2-Related Familial Hypertrophic Cardiomyopathy. Identifiers: MedGen C1861864, MONDO:0007266, OMIM 115195.
Cardiomyopathy, familial restrictive, 3. Identifiers: Orphanet 75249, MedGen C2676271, MONDO:0012900, OMIM 612422.
Dilated cardiomyopathy 1D. Identifiers: Orphanet 154, Orphanet 54260, MedGen C1832243, MONDO:0011095, OMIM 601494.

Allele frequency attached by ClinVar (database versions not stated): gnomAD exomes below 0.00001; ExAC 0.00001; TOPMed 0.00001.
gnomAD v4.1: 1 of 1,614,096 alleles (0.000062%); highest among the groups gnomAD compares: African/African-American, 0.0013%; no homozygotes.

Submissions (4):

Color Diagnostics, LLC DBA Color Health
Classification: Uncertain significance for Cardiomyopathy. Last evaluated: 2024-03-06. Review status: criteria provided, single submitter. Criteria: ACMG Guidelines, 2015. Collection method: clinical testing. Allele origin: germline.
Comment: This missense variant replaces serine with proline at codon 2 of the TNNT2 protein. Computational prediction suggests that this variant may have deleterious impact on protein structure and function (internally defined REVEL score threshold >= 0.7, PMID: 27666373). To our knowledge, functional studies have not been reported for this variant. This variant has not been reported in individuals affected with cardiovascular disorders in the literature. This variant has been identified in 1/251450 chromosomes in the general population by the Genome Aggregation Database (gnomAD). The available evidence is insufficient to determine the role of this variant in disease conclusively. Therefore, this variant is classified as a Variant of Uncertain Significance.

Ambry Genetics
Classification: Uncertain significance for Cardiovascular phenotype. Last evaluated: 2023-11-29. Review status: criteria provided, single submitter. Criteria: Ambry Variant Classification Scheme 2023. Collection method: clinical testing. Allele origin: germline.
Comment: The p.S2P variant (also known as c.4T>C), located in coding exon 1 of the TNNT2 gene, results from a T to C substitution at nucleotide position 4. The serine at codon 2 is replaced by proline, an amino acid with similar properties. This amino acid position is highly conserved in available vertebrate species. In addition, this alteration is predicted to be deleterious by in silico analysis. Since supporting evidence is limited at this time, the clinical significance of this alteration remains unclear.

Labcorp Genetics (formerly Invitae), Labcorp
Classification: Uncertain significance for Cardiomyopathy, familial restrictive, 3; Hypertrophic cardiomyopathy 2; Dilated cardiomyopathy 1D. Last evaluated: 2023-10-19. Review status: criteria provided, single submitter. Criteria: Invitae Variant Classification Sherloc (09022015). Collection method: clinical testing. Allele origin: germline.
Comment: This sequence change replaces serine, which is neutral and polar, with proline, which is neutral and non-polar, at codon 2 of the TNNT2 protein (p.Ser2Pro). This variant is present in population databases (rs765584396, gnomAD 0.007%). This variant has not been reported in the literature in individuals affected with TNNT2-related conditions. ClinVar contains an entry for this variant (Variation ID: 924914). Advanced modeling of protein sequence and biophysical properties (such as structural, functional, and spatial information, amino acid conservation, physicochemical variation, residue mobility, and thermodynamic stability) performed at Invitae indicates that this missense variant is expected to disrupt TNNT2 protein function. In summary, the available evidence is currently insufficient to determine the role of this variant in disease. Therefore, it has been classified as a Variant of Uncertain Significance.

GeneDx
Classification: Uncertain significance. Last evaluated: 2023-05-31. Review status: criteria provided, single submitter. Criteria: GeneDx Variant Classification Process June 2021. Collection method: clinical testing. Allele origin: germline. Affected: yes.
Comment: Not observed at significant frequency in large population cohorts (gnomAD); In silico analysis supports that this missense variant does not alter protein structure/function; Has not been previously published as pathogenic or benign to our knowledge

NM_001276345.2(TNNT2):c.4T>C (p.Ser2Pro)

Gene: TNNT2 (troponin T2, cardiac type; minus strand). Cytogenetic location: 1q32.1.
Variant type: single nucleotide variant.
Coding change: c.4T>C on transcript NM_001276345.2 (MANE Select); coding-DNA position 4, T replaced by C.
Protein change: p.Ser2Pro; replaces serine 2 with proline.
Molecular consequence: missense variant.
Genome position (GRCh38, 1-based): chr1:201,373,251, A>G on the plus strand (T>C on the coding strand, the complement: TNNT2 is on the minus strand). VCF-style: chr1-201373251-A-G. GRCh37 (hg19) VCF-style: chr1-201342379-A-G.
Other names: c.4T>C, p.Ser2Pro (NM_000364.4, NM_001001430.3, NM_001001431.3 and 3 more transcripts); short protein forms S2P.
Identifiers: ClinVar variation 924914 (VCV000924914.9), dbSNP rs765584396, ClinGen allele CA029269.